The following is an entry in ClinVar:

NM_174878.3(CLRN1):c.433+1G>A

Gene: CLRN1 (clarin 1; minus strand). Cytogenetic location: 3q25.1.
Variant type: single nucleotide variant.
Coding change: c.433+1G>A on transcript NM_174878.3 (MANE Select); the canonical splice donor site of the intron after coding-DNA position 433, G replaced by A.
Molecular consequence: splice donor variant.
Genome position (GRCh38, 1-based): chr3:150,941,581, C>T on the plus strand (G>A on the coding strand, the complement: CLRN1 is on the minus strand). VCF-style: chr3-150941581-C-T. GRCh37 (hg19) VCF-style: chr3-150659368-C-T.
Other names: c.433+1G>A (NM_174878.2, NM_001195794.1); c.205+1G>A (NM_052995.2); c.*47+1G>A (NM_001256819.2).
Identifiers: ClinVar variation 638640 (VCV000638640.22), dbSNP rs201205811, ClinGen allele CA2666065.
Genomic context (GRCh38, chr3:150,941,581, plus strand): 5'-GACGGTCTTTTTGACATATTGAAAAGCACATTTGTCTTCAGAGGTAGAATTTTGTACTTA[C>T]CTGAAATGAAGCTCAAAAGGTACAGCCCTAGGGGACCATGCAGAGTTTCAAAAGGTTTTC-3'

ClinVar aggregate classification (germline): Pathogenic/Likely pathogenic. Review status: criteria provided, multiple submitters, no conflicts (2 of 4 stars). 7 submissions from 7 submitters: Pathogenic (5); Likely pathogenic (1). 1 of the submissions does not count toward it. Last evaluated 2025-12-31.

Conditions:
CLRN1-related disorder. Also called: CLRN1-related condition.
Retinitis pigmentosa 61 (RP61). Identifiers: Orphanet 791, MedGen C3280041, MONDO:0013610, OMIM 614180.
Usher syndrome type 3. Also called: Usher Syndrome, Type III. Identifiers: Orphanet 231183, MedGen C1568248, MONDO:0016485.

Allele frequency attached by ClinVar (database versions not stated): ExAC 0.00001; gnomAD exomes 0.00001.
gnomAD v4.1: 4 of 1,613,880 alleles (0.00025%); highest among the groups gnomAD compares: Non-Finnish European, 0.00034%; no homozygotes.

Submissions (7):

Labcorp Genetics (formerly Invitae), Labcorp
Classification: Pathogenic. Last evaluated: 2025-12-31. Review status: criteria provided, single submitter. Criteria: Invitae Variant Classification Sherloc (09022015). Collection method: clinical testing. Allele origin: germline.
Comment: This sequence change affects a donor splice site in intron 2 of the CLRN1 gene. While this variant is not anticipated to result in nonsense mediated decay, it likely alters RNA splicing and results in a disrupted protein product. This variant is present in population databases (rs201205811, gnomAD 0.002%). This variant has not been reported in the literature in individuals affected with CLRN1-related conditions. ClinVar contains an entry for this variant (Variation ID: 638640). Variants that disrupt the consensus splice site are a relatively common cause of aberrant splicing (PMID: 17576681, 9536098). Algorithms developed to predict the effect of sequence changes on RNA splicing suggest that this variant may disrupt the consensus splice site. This variant disrupts a region of the CLRN1 protein in which other variant(s) (p.Arg207*) have been determined to be pathogenic (PMID: 22952768, 23304067, 26338283). This suggests that this is a clinically significant region of the protein, and that variants that disrupt it are likely to be disease-causing. For these reasons, this variant has been classified as Pathogenic.

Natera, Inc.
Classification: Likely pathogenic for Usher syndrome type 3. Last evaluated: 2025-01-31. Review status: criteria provided, single submitter. Criteria: Natera Variant Classification Schema (03/2026). Collection method: clinical testing. Allele origin: germline.
Comment: The c.433+1G>A variant in CLRN1 is a canonical splice donor site variant predicted to affect pre-mRNA splicing, which may result in an abnormal transcript and altered protein product. This variant is expected to result in nonsense mediated decay, truncation, or a dysfunctional protein product. This variant is rare in the general population with a frequency below the threshold expected for the associated phenotype(s). This variant has been observed in one or more individuals affected with the associated recessive disease, as either homozygous or compound heterozygous with a second variant (PMID: 31968401). Additionally, this variant has been observed to segregate in affected family members (PMID: 31968401). Given the available evidence, this variant is classified as Likely Pathogenic.

Revvity Omics, Revvity
Classification: Pathogenic. Last evaluated: 2025-01-28. Review status: criteria provided, single submitter. Criteria: ACMG Guidelines, 2015. Collection method: clinical testing. Allele origin: germline.

Blueprint Genetics
Classification: Pathogenic for CLRN1-related disorders. Last evaluated: 2024-07-08. Review status: criteria provided, single submitter. Criteria: ACMG Guidelines, 2015. Collection method: clinical testing. Allele origin: germline. Affected: yes. Observed: 5 variant alleles.

Baylor Genetics
Classification: Pathogenic for Retinitis pigmentosa 61. Last evaluated: 2023-12-26. Review status: criteria provided, single submitter. Criteria: ACMG Guidelines, 2015. Collection method: clinical testing. Allele origin: unknown.

The Cell Therapy Center, The University of Jordan
Classification: Pathogenic for Usher syndrome type 3A. Last evaluated: 2019-03-15. Review status: criteria provided, single submitter. Criteria: ACMG Guidelines, 2015. Collection method: research. Allele origin: germline. Inheritance: Autosomal recessive inheritance. Affected: yes. Observed: 4 variant alleles, 4 homozygotes.
Comment: The c.433+1G>A variant in CLRN1 was found in a Jordanian family with inherited retinal dystrophy. This family was diagnosed with RP until after the molecular assessment showed CLRN1 as the causative gene. Audiometry revealed that all patients have some degree of sensorineural hearing loss which led to the diagnosis of Usher Syndrome. Simulation analysis including molecular and dynamic simulation was done on this variant and showed that it affected splicing tremendously resulting in an abnormal protein. In summary, the variant meets the criteria to be pathogenic based on its segregation, allele frequency, and simulation results.

Sharon lab, Hadassah-Hebrew University Medical Center
Classification: Pathogenic for Usher syndrome type 3. Last evaluated: 2019-06-23. Review status: no assertion criteria provided. Collection method: research. Allele origin: inherited. Affected: yes. Not counted in ClinVar's aggregate classification.

Literature cited by the submitters: PubMed 17576681 (cited by Labcorp Genetics (formerly Invitae), Labcorp); PubMed 9536098 (cited by Labcorp Genetics (formerly Invitae), Labcorp); PubMed 22952768 (cited by Labcorp Genetics (formerly Invitae), Labcorp); PubMed 23304067 (cited by Labcorp Genetics (formerly Invitae), Labcorp); PubMed 26338283 (cited by Labcorp Genetics (formerly Invitae), Labcorp); PubMed 31968401 (cited by Natera, Inc.).